The following is an entry in ClinVar:

NM_139319.3(SLC17A8):c.1054-3C>G

Gene: SLC17A8 (solute carrier family 17 member 8; plus strand). Cytogenetic location: 12q23.1.
Variant type: single nucleotide variant.
Coding change: c.1054-3C>G on transcript NM_139319.3 (MANE Select); 3 bases into the intron before coding-DNA position 1054, C replaced by G.
Molecular consequence: intron variant.
Genome position (GRCh38, 1-based): chr12:100,404,035, C>G. VCF-style: chr12-100404035-C-G. GRCh37 (hg19) VCF-style: chr12-100797813-C-G.
Other names: c.904-3C>G (NM_001145288.2).
Identifiers: ClinVar variation 5002323 (VCV005002323.1).
Genomic context (GRCh38, chr12:100,404,035, plus strand): 5'-GAATTAGGGAGGCCCCTCTCTCAGAAATAATGACAAACTGCTTACTGTTTCTTTCCCTTC[C>G]AGGTGGGTCTCTTGTCAGCAGTCCCACACATGGTTATGACAATCGTTGTACCTATTGGAG-3'

ClinVar aggregate classification (germline): Uncertain significance (1 of 4 stars; one submission).

Conditions:
SLC17A8-related disorder. Also called: SLC17A8-related condition.

Submission:

PreventionGenetics, part of Exact Sciences
Classification: Uncertain significance for SLC17A8-related condition. Last evaluated: 2025-08-20. Review status: criteria provided, single submitter. Criteria: ACMG Guidelines, 2015. Collection method: clinical testing. Allele origin: germline.
Comment: The SLC17A8 c.1054-3C>G variant is predicted to interfere with splicing. To our knowledge, this variant has not been reported in the literature or in a large population database (gnomAD), indicating this variant is rare. At this time, the clinical significance of this variant is uncertain due to the absence of conclusive functional and genetic evidence.